The following is an entry in ClinVar:

ClinVar aggregate classification (germline): Uncertain significance (1 of 4 stars; one submission).

Allele frequency attached by ClinVar (database versions not stated): gnomAD exomes below 0.00001; ExAC 0.00001.
gnomAD v4.1: 3 of 1,614,034 alleles (0.00019%); highest among the groups gnomAD compares: Admixed American, 0.0017%; no homozygotes.

Submission:

Labcorp Genetics (formerly Invitae), Labcorp
Classification: Uncertain significance. Last evaluated: 2025-04-14. Review status: criteria provided, single submitter. Criteria: Invitae Variant Classification Sherloc (09022015). Collection method: clinical testing. Allele origin: germline.
Comment: This sequence change replaces asparagine, which is neutral and polar, with serine, which is neutral and polar, at codon 955 of the TTC37 protein (p.Asn955Ser). This variant is present in population databases (rs765478104, gnomAD 0.003%). This variant has not been reported in the literature in individuals affected with TTC37-related conditions. ClinVar contains an entry for this variant (Variation ID: 1494050). An algorithm developed to predict the effect of missense changes on protein structure and function (PolyPhen-2) suggests that this variant is likely to be disruptive. In summary, the available evidence is currently insufficient to determine the role of this variant in disease. Therefore, it has been classified as a Variant of Uncertain Significance.

NM_014639.4(SKIC3):c.2864A>G (p.Asn955Ser)

Gene: SKIC3 (SKI3 subunit of superkiller complex; minus strand). Cytogenetic location: 5q15.
Variant type: single nucleotide variant.
Coding change: c.2864A>G on transcript NM_014639.4 (MANE Select); coding-DNA position 2864, A replaced by G.
Protein change: p.Asn955Ser; replaces asparagine 955 with serine.
Molecular consequence: missense variant.
Genome position (GRCh38, 1-based): chr5:95,512,533, T>C on the plus strand (A>G on the coding strand, the complement: SKIC3 is on the minus strand). VCF-style: chr5-95512533-T-C. GRCh37 (hg19) VCF-style: chr5-94848237-T-C.
Other names: short protein forms N955S.
Identifiers: ClinVar variation 1494050 (VCV001494050.8), dbSNP rs765478104, ClinGen allele CA3346933.